The following is an entry in ClinVar:

NM_000540.3(RYR1):c.7881G>A (p.Val2627=)

Gene: RYR1 (ryanodine receptor 1; plus strand). Cytogenetic location: 19q13.2.
Variant type: single nucleotide variant.
Coding change: c.7881G>A on transcript NM_000540.3 (MANE Select); coding-DNA position 7881, G replaced by A.
Protein change: p.Val2627=; no amino-acid change (valine 2627 retained).
Molecular consequence: synonymous variant.
Genome position (GRCh38, 1-based): chr19:38,502,925, G>A. VCF-style: chr19-38502925-G-A. GRCh37 (hg19) VCF-style: chr19-38993565-G-A.
Other names: c.7881G>A, p.Val2627= (NM_001042723.2).
Identifiers: ClinVar variation 329072 (VCV000329072.29), dbSNP rs201877620, ClinGen allele CA070973.

ClinVar aggregate classification (germline): Benign/Likely benign. Review status: criteria provided, multiple submitters, no conflicts (2 of 4 stars). 8 submissions from 7 submitters: Benign (3); Likely benign (4). 1 of the submissions does not count toward it. Last evaluated 2026-02-04.

Conditions:
RYR1-related disorder. Also called: RYR1-related disorders; RYR1-related condition. Identifiers: MedGen CN239331.
Congenital multicore myopathy with external ophthalmoplegia (CMYO1B). Also called: MULTIMINICORE DISEASE WITH EXTERNAL OPHTHALMOPLEGIA; MULTICORE MYOPATHY; Congenital myopathy 1B, autosomal recessive; Minicore myopathy; Minicore myopathy with external ophthalmoplegia. Identifiers: Orphanet 598, Orphanet 98905, MedGen C1850674, MONDO:0009712, OMIM 255320, HP:0003789.
Malignant hyperthermia, susceptibility to, 1 (MHS1). Also called: Anesthesia related hyperthermia; Malignant hyperpyrexia; Fulminating hyperpyrexia; Pharmacogenic myopathy; RYR1-Related Malignant Hyperthermia Susceptibility; Malignant hyperthermia suceptibility 1. Identifiers: Orphanet 423, MedGen C2930980, MONDO:0007783, OMIM 145600.

Allele frequency attached by ClinVar (database versions not stated): gnomAD 0.00018 and 0.00021; TOPMed 0.00026; ExAC 0.00045; gnomAD exomes 0.00050; 1000 Genomes Project 0.00080; 1000 Genomes Project 30x 0.00094.
gnomAD v4.1: 176 of 1,611,738 alleles (0.011%); highest among the groups gnomAD compares: East Asian, 0.28%; 1 homozygote.

Submissions (8):

Labcorp Genetics (formerly Invitae), Labcorp
Classification: Benign for RYR1-related disorder. Last evaluated: 2026-02-04. Review status: criteria provided, single submitter. Criteria: Invitae Variant Classification Sherloc (09022015). Collection method: clinical testing. Allele origin: germline.

Blueprint Genetics
Classification: Likely benign. Last evaluated: 2024-10-23. Review status: criteria provided, single submitter. Criteria: ACMG Guidelines, 2015. Collection method: clinical testing. Allele origin: germline.

All of Us Research Program, National Institutes of Health
Classification: Benign for Malignant hyperthermia, susceptibility to, 1. Last evaluated: 2024-01-11. Review status: criteria provided, single submitter. Criteria: ACMG Guidelines, 2015. Collection method: clinical testing. Allele origin: germline. Inheritance: Autosomal dominant inheritance. Observed: 44 variant alleles, 44 heterozygotes.
Comment: This study involves interpretation of variants in research participants for the purpose of population health screening. Participant phenotype was not available at the time of variant classification. Additional details can be found in publication PMID: 35346344, PMCID: PMC8962531

Color Diagnostics, LLC DBA Color Health
Classification: Benign for Malignant hyperthermia, susceptibility to, 1. Last evaluated: 2022-10-17. Review status: criteria provided, single submitter. Criteria: ACMG Guidelines, 2015. Collection method: clinical testing. Allele origin: germline.

Illumina Laboratory Services, Illumina
Classification: Likely benign for Congenital multicore myopathy with external ophthalmoplegia. Last evaluated: 2018-01-13. Review status: criteria provided, single submitter. Criteria: ICSL Variant Classification Criteria 13 December 2019. Collection method: clinical testing. Allele origin: germline.
Comment: This variant was observed in the ICSL laboratory as part of a predisposition screen in an ostensibly healthy population. It had not been previously curated by ICSL or reported in the Human Gene Mutation Database (HGMD: prior to June 1st, 2018), and was therefore a candidate for classification through an automated scoring system. Utilizing variant allele frequency, disease prevalence and penetrance estimates, and inheritance mode, an automated score was calculated to assess if this variant is too frequent to cause the disease. Based on the score and internal cut-off values, a variant classified as likely benign is not then subjected to further curation. The score for this variant resulted in a classification of likely benign for this disease.

Illumina Laboratory Services, Illumina
Classification: Likely benign for Malignant hyperthermia, susceptibility to, 1. Last evaluated: 2018-01-13. Review status: criteria provided, single submitter. Criteria: ICSL Variant Classification Criteria 13 December 2019. Collection method: clinical testing. Allele origin: germline.
Comment: the same text as in the submission from Illumina Laboratory Services, Illumina above.

GeneDx
Classification: Likely benign. Last evaluated: 2016-12-07. Review status: criteria provided, single submitter. Criteria: GeneDx Variant Classification (06012015). Collection method: clinical testing. Allele origin: germline. Affected: yes.
Comment: This variant is considered likely benign or benign based on one or more of the following criteria: it is a conservative change, it occurs at a poorly conserved position in the protein, it is predicted to be benign by multiple in silico algorithms, and/or has population frequency not consistent with disease.

PreventionGenetics, part of Exact Sciences
Classification: Likely benign for RYR1-related condition. Last evaluated: 2021-02-22. Review status: no assertion criteria provided. Collection method: clinical testing. Allele origin: germline. Not counted in ClinVar's aggregate classification.
Comment: This variant is classified as likely benign based on ACMG/AMP sequence variant interpretation guidelines (Richards et al. 2015 PMID: 25741868, with internal and published modifications).